The following is an entry in ClinVar:

ClinVar aggregate classification (germline): Uncertain significance. Review status: criteria provided, multiple submitters, no conflicts (2 of 4 stars). 2 submissions from 2 submitters: Uncertain significance (2). Last evaluated 2025-09-08.

Conditions:
Hereditary cancer-predisposing syndrome. Also called: Neoplastic Syndromes, Hereditary; Tumor predisposition; Hereditary Cancer Syndrome; Hereditary neoplastic syndrome. Identifiers: Orphanet 140162, MedGen C0027672, MeSH D009386, MONDO:0015356.
Cardiovascular phenotype. Identifiers: MedGen CN230736.

Submissions (2):

Labcorp Genetics (formerly Invitae), Labcorp
Classification: Uncertain significance. Last evaluated: 2025-09-08. Review status: criteria provided, single submitter. Criteria: Invitae Variant Classification Sherloc (09022015). Collection method: clinical testing. Allele origin: germline.
Comment: This sequence change replaces tyrosine, which is neutral and polar, with histidine, which is basic and polar, at codon 747 of the LZTR1 protein (p.Tyr747His). This variant is not present in population databases (gnomAD no frequency). This variant has not been reported in the literature in individuals affected with LZTR1-related conditions. ClinVar contains an entry for this variant (Variation ID: 1788233). Invitae Evidence Modeling of protein sequence and biophysical properties (such as structural, functional, and spatial information, amino acid conservation, physicochemical variation, residue mobility, and thermodynamic stability) indicates that this missense variant is not expected to disrupt LZTR1 protein function with a negative predictive value of 80%. In summary, the available evidence is currently insufficient to determine the role of this variant in disease. Therefore, it has been classified as a Variant of Uncertain Significance.

Ambry Genetics
Classification: Uncertain significance for Cardiovascular phenotype; Hereditary cancer-predisposing syndrome. Last evaluated: 2021-07-19. Review status: criteria provided, single submitter. Criteria: Ambry Variant Classification Scheme 2023. Collection method: clinical testing. Allele origin: germline.
Comment: The p.Y747H variant (also known as c.2239T>C), located in coding exon 19 of the LZTR1 gene, results from a T to C substitution at nucleotide position 2239. The tyrosine at codon 747 is replaced by histidine, an amino acid with similar properties. This amino acid position is highly conserved in available vertebrate species. In addition, the in silico prediction for this alteration is inconclusive. Since supporting evidence is limited at this time, the clinical significance of this alteration remains unclear.

NM_006767.4(LZTR1):c.2239T>C (p.Tyr747His)

Gene: LZTR1 (leucine zipper like post translational regulator 1; plus strand). Cytogenetic location: 22q11.21.
Variant type: single nucleotide variant.
Coding change: c.2239T>C on transcript NM_006767.4 (MANE Select); coding-DNA position 2239, T replaced by C.
Protein change: p.Tyr747His; replaces tyrosine 747 with histidine.
Molecular consequence: missense variant.
Genome position (GRCh38, 1-based): chr22:20,996,715, T>C. VCF-style: chr22-20996715-T-C. GRCh37 (hg19) VCF-style: chr22-21351004-T-C.
Other names: short protein forms Y747H.
Identifiers: ClinVar variation 1788233 (VCV001788233.5), dbSNP rs2518625642, ClinGen allele CA410780762.